The following is an entry in ClinVar:

ClinVar aggregate classification (germline): Pathogenic (1 of 4 stars; one submission).

Submission:

Labcorp Genetics (formerly Invitae), Labcorp
Classification: Pathogenic. Last evaluated: 2023-12-05. Review status: criteria provided, single submitter. Criteria: Invitae Variant Classification Sherloc (09022015). Collection method: clinical testing. Allele origin: germline.
Comment: This sequence change creates a premature translational stop signal (p.Asn295Cysfs*14) in the CYP19A1 gene. It is expected to result in an absent or disrupted protein product. Loss-of-function variants in CYP19A1 are known to be pathogenic (PMID: 14602738, 27086564, 27256151). This variant is not present in population databases (gnomAD no frequency). This variant has not been reported in the literature in individuals affected with CYP19A1-related conditions. ClinVar contains an entry for this variant (Variation ID: 2419746). For these reasons, this variant has been classified as Pathogenic.

Literature cited by the submitters: PubMed 14602738; PubMed 27086564; PubMed 27256151.

NM_000103.4(CYP19A1):c.876_877del (p.Asn295fs)

Genes: CYP19A1 (cytochrome P450 family 19 subfamily A member 1; minus strand), MIR4713HG (MIR4713 host gene; plus strand), PIRC66 (piwi-interacting RNA cluster 66; plus strand). Cytogenetic location: 15q21.2.
Variant type: Deletion.
Coding change: c.876_877del on transcript NM_000103.4 (MANE Select); coding-DNA positions 876 to 877, 2 bases deleted (AA; older notation c.876_877delAA).
Protein change: p.Asn295fs; shifts the reading frame from asparagine 295.
Molecular consequence: frameshift variant.
Genome position (GRCh38, 1-based): chr15:51,215,214-51,215,215, TT deleted on the plus strand (AA on the coding strand, the reverse complement: CYP19A1 is on the minus strand). VCF-style (leftmost placement, unchanged base first): chr15-51215213-CTT-C. GRCh37 (hg19) VCF-style: chr15-51507410-CTT-C.
Other names: c.876_877del, p.Asn295fs (NM_001347248.1, NM_001347249.2, NM_001347250.2 and 7 more transcripts); short protein forms N295fs.
Identifiers: ClinVar variation 2419746 (VCV002419746.6), dbSNP rs2542402114, ClinGen allele CA2575725140.